The following is an entry in ClinVar:

ClinVar aggregate classification (germline): Benign. Review status: criteria provided, multiple submitters, no conflicts (2 of 4 stars). 8 submissions from 8 submitters: Benign (6). 2 of the submissions do not count toward it. Last evaluated 2026-02-04.

Conditions:
Cowden syndrome 6 (CWS6). Identifiers: Orphanet 201, MedGen C3554519, MONDO:0014048, OMIM 615109.

Allele frequency attached by ClinVar (database versions not stated): ESP Exome Variant Server 0.20163; gnomAD 0.22241 and 0.23337; TOPMed 0.23644; gnomAD exomes 0.25707 and 0.29754; ExAC 0.31413; 1000 Genomes Project 30x 0.32105; 1000 Genomes Project 0.32248.
gnomAD v4.1: 409,464 of 1,607,306 alleles (25%); highest among the groups gnomAD compares: East Asian, 53%; 56,957 homozygotes.

Submissions (15):

Labcorp Genetics (formerly Invitae), Labcorp
Classification: Benign for Cowden syndrome 6. Last evaluated: 2026-02-04. Review status: criteria provided, single submitter. Criteria: Invitae Variant Classification Sherloc (09022015). Collection method: clinical testing. Allele origin: germline.

Blueprint Genetics
Classification: Benign. Last evaluated: 2024-11-27. Review status: criteria provided, single submitter. Criteria: ACMG Guidelines, 2015. Collection method: clinical testing. Allele origin: germline.

Mendelics
Classification: Benign for Cowden syndrome 6. Last evaluated: 2019-05-28. Review status: criteria provided, single submitter. Criteria: Mendelics Assertion Criteria 2017. Collection method: clinical testing. Allele origin: unknown.

GeneDx
Classification: Benign. Last evaluated: 2019-01-10. Review status: criteria provided, single submitter. Criteria: GeneDx Variant Classification Process June 2021. Collection method: clinical testing. Allele origin: germline. Affected: yes.
Comment: This variant is associated with the following publications: (PMID: 18497887, 20520724)

Eurofins Ntd Llc (ga)
Classification: Benign. Last evaluated: 2017-01-06. Review status: criteria provided, single submitter. Criteria: EGL Classification Definitions 2015. Collection method: clinical testing. Allele origin: germline. Observed: 1 variant allele, 1 homozygote.

Breakthrough Genomics
Classification: Benign. Review status: criteria provided, single submitter. Criteria: ACMG Guidelines, 2015. Collection method: not provided. Allele origin: germline. Inheritance: Autosomal dominant inheritance. Affected: yes.

Clinical Genetics DNA and cytogenetics Diagnostics Lab, Erasmus MC, Erasmus Medical Center
Classification: Benign. Review status: no assertion criteria provided. Collection method: clinical testing. Allele origin: germline. Affected: yes. Study: VKGL Data-share Consensus. Not counted in ClinVar's aggregate classification.

Clinical Genetics, Academic Medical Center
Classification: Benign. Review status: no assertion criteria provided. Collection method: clinical testing. Allele origin: germline. Affected: yes. Study: VKGL Data-share Consensus. Not counted in ClinVar's aggregate classification.

Dr. Peter K. Rogan Lab, Western University
No classification provided (evidence only). Condition: Uterine carcinosarcoma. Review status: no classification provided. Collection method: in vitro. Allele origin: not applicable. Functional consequence: skipped exon. Not counted in ClinVar's aggregate classification.

Dr. Peter K. Rogan Lab, Western University
No classification provided (evidence only). Condition: Uterine carcinosarcoma. Review status: no classification provided. Collection method: in vitro. Allele origin: not applicable. Functional consequence: skipped exon. Not counted in ClinVar's aggregate classification.

Dr. Peter K. Rogan Lab, Western University
No classification provided (evidence only). Condition: Uterine carcinosarcoma. Review status: no classification provided. Collection method: in vitro. Allele origin: not applicable. Functional consequence: skipped exon. Not counted in ClinVar's aggregate classification.

Dr. Peter K. Rogan Lab, Western University
No classification provided (evidence only). Condition: Uterine carcinosarcoma. Review status: no classification provided. Collection method: in vitro. Allele origin: not applicable. Functional consequence: retained intron. Not counted in ClinVar's aggregate classification.

Dr. Peter K. Rogan Lab, Western University
No classification provided (evidence only). Condition: Uterine carcinosarcoma. Review status: no classification provided. Collection method: in vitro. Allele origin: not applicable. Functional consequence: skipped exon, retained intron. Not counted in ClinVar's aggregate classification.

Dr. Peter K. Rogan Lab, Western University
No classification provided (evidence only). Condition: Uterine carcinosarcoma. Review status: no classification provided. Collection method: in vitro. Allele origin: not applicable. Functional consequence: retained intron. Not counted in ClinVar's aggregate classification.

Dr. Peter K. Rogan Lab, Western University
No classification provided (evidence only). Condition: Uveal melanoma. Review status: no classification provided. Collection method: in vitro. Allele origin: not applicable. Functional consequence: skipped exon. Not counted in ClinVar's aggregate classification.

NM_001382430.1(AKT1):c.726G>A (p.Glu242=)

Gene: AKT1 (AKT serine/threonine kinase 1; minus strand). Cytogenetic location: 14q32.33.
Variant type: single nucleotide variant.
Coding change: c.726G>A on transcript NM_001382430.1 (MANE Select); coding-DNA position 726, G replaced by A.
Protein change: p.Glu242=; no amino-acid change (glutamic acid 242 retained).
Molecular consequence: synonymous variant.
Genome position (GRCh38, 1-based): chr14:104,773,557, C>T on the plus strand (G>A on the coding strand, the complement: AKT1 is on the minus strand). VCF-style: chr14-104773557-C-T. GRCh37 (hg19) VCF-style: chr14-105239894-C-T.
Other names: c.726G>A, p.Glu242= (NM_001014431.2, NM_001014432.2, NM_001382431.1 and 3 more transcripts).
Identifiers: ClinVar variation 498670 (VCV000498670.22), dbSNP rs1130233, ClinGen allele CA7374655.